The following is an entry in ClinVar:

ClinVar aggregate classification (germline): Likely benign. Review status: criteria provided, multiple submitters, no conflicts (2 of 4 stars). 4 submissions from 4 submitters: Likely benign (3). 1 of the submissions does not count toward it. Last evaluated 2026-08-16.

Conditions:
Autosomal recessive limb-girdle muscular dystrophy type 2J (LGMDR10). Also called: Limb-girdle muscular dystrophy, type 2J; MUSCULAR DYSTROPHY, LIMB-GIRDLE, AUTOSOMAL RECESSIVE 10. Identifiers: Orphanet 140922, MedGen C1837342, MONDO:0012127, OMIM 608807.
Dilated cardiomyopathy 1G (CMD1G). Identifiers: Orphanet 154, MedGen C1858763, MONDO:0011400, OMIM 604145.
TTN-related disorder. Also called: TTN-related condition; TTN-related disease; TTN-related disorders.
Cardiovascular phenotype. Identifiers: MedGen CN230736.

Allele frequency attached by ClinVar (database versions not stated): gnomAD exomes 0.00001 and 0.00003; TOPMed 0.00001; ExAC 0.00002; gnomAD 0.00002.
gnomAD v4.1: 20 of 1,613,400 alleles (0.0012%); highest among the groups gnomAD compares: Admixed American, 0.0083%; no homozygotes.

Submissions (4):

Ambry Genetics
Classification: Likely benign for Cardiovascular phenotype. Last evaluated: 2026-08-16. Review status: criteria provided, single submitter. Criteria: Ambry Variant Classification Scheme 2023. Collection method: clinical testing. Allele origin: germline.

Labcorp Genetics (formerly Invitae), Labcorp
Classification: Likely benign for Dilated cardiomyopathy 1G; Autosomal recessive limb-girdle muscular dystrophy type 2J. Last evaluated: 2025-10-22. Review status: criteria provided, single submitter. Criteria: Invitae Variant Classification Sherloc (09022015). Collection method: clinical testing. Allele origin: germline.

GeneDx
Classification: Likely benign. Last evaluated: 2017-05-05. Review status: criteria provided, single submitter. Criteria: GeneDx Variant Classification (06012015). Collection method: clinical testing. Allele origin: germline. Affected: yes.
Comment: This variant is considered likely benign or benign based on one or more of the following criteria: it is a conservative change, it occurs at a poorly conserved position in the protein, it is predicted to be benign by multiple in silico algorithms, and/or has population frequency not consistent with disease.

PreventionGenetics, part of Exact Sciences
Classification: Likely benign for TTN-related condition. Last evaluated: 2020-11-26. Review status: no assertion criteria provided. Collection method: clinical testing. Allele origin: germline. Not counted in ClinVar's aggregate classification.
Comment: This variant is classified as likely benign based on ACMG/AMP sequence variant interpretation guidelines (Richards et al. 2015 PMID: 25741868, with internal and published modifications).

NM_001267550.2(TTN):c.70287C>T (p.Asn23429=)

Genes: TTN (titin; minus strand), TTN-AS1 (TTN antisense RNA 1; plus strand), LOC126806422 (BRD4-independent group 4 enhancer GRCh37_chr2:179440205-179441404; plus strand). Cytogenetic location: 2q31.2.
Variant type: single nucleotide variant.
Coding change: c.70287C>T on transcript NM_001267550.2 (MANE Select); coding-DNA position 70287, C replaced by T.
Protein change: p.Asn23429=; no amino-acid change (asparagine 23429 retained).
Molecular consequence: synonymous variant.
Genome position (GRCh38, 1-based): chr2:178,575,845, G>A on the plus strand (C>T on the coding strand, the complement: TTN is on the minus strand). VCF-style: chr2-178575845-G-A. GRCh37 (hg19) VCF-style: chr2-179440572-G-A.
Other names: c.65364C>T, p.Asn21788= (NM_001256850.1); c.43092C>T, p.Asn14364= (NM_003319.4); c.62583C>T, p.Asn20861= (NM_133378.4); c.43467C>T, p.Asn14489= (NM_133432.3); c.43668C>T, p.Asn14556= (NM_133437.4).
Identifiers: ClinVar variation 509503 (VCV000509503.9), dbSNP rs757831376, ClinGen allele CA1990806.